The following is an entry in ClinVar:

ClinVar aggregate classification (germline): Uncertain significance (1 of 4 stars; one submission).

Allele frequency attached by ClinVar (database versions not stated): gnomAD exomes below 0.00001 and 0.00001; ExAC 0.00001.
gnomAD v4.1: 2 of 1,614,250 alleles (0.00012%); highest among the groups gnomAD compares: Admixed American, 0.0017%; no homozygotes.

Submission:

Labcorp Genetics (formerly Invitae), Labcorp
Classification: Uncertain significance. Last evaluated: 2025-08-15. Review status: criteria provided, single submitter. Criteria: Invitae Variant Classification Sherloc (09022015). Collection method: clinical testing. Allele origin: germline.
Comment: This sequence change replaces alanine, which is neutral and non-polar, with proline, which is neutral and non-polar, at codon 1094 of the SNRNP200 protein (p.Ala1094Pro). This variant is present in population databases (rs776180845, gnomAD 0.003%). This variant has not been reported in the literature in individuals affected with SNRNP200-related conditions. ClinVar contains an entry for this variant (Variation ID: 1361716). Invitae Evidence Modeling of protein sequence and biophysical properties (such as structural, functional, and spatial information, amino acid conservation, physicochemical variation, residue mobility, and thermodynamic stability) indicates that this missense variant is expected to disrupt SNRNP200 protein function with a positive predictive value of 95%. In summary, the available evidence is currently insufficient to determine the role of this variant in disease. Therefore, it has been classified as a Variant of Uncertain Significance.

NM_014014.5(SNRNP200):c.3280G>C (p.Ala1094Pro)

Gene: SNRNP200 (small nuclear ribonucleoprotein U5 subunit 200; minus strand). Cytogenetic location: 2q11.2.
Variant type: single nucleotide variant.
Coding change: c.3280G>C on transcript NM_014014.5 (MANE Select); coding-DNA position 3280, G replaced by C.
Protein change: p.Ala1094Pro; replaces alanine 1094 with proline.
Molecular consequence: missense variant.
Genome position (GRCh38, 1-based): chr2:96,287,948, C>G on the plus strand (G>C on the coding strand, the complement: SNRNP200 is on the minus strand). VCF-style: chr2-96287948-C-G. GRCh37 (hg19) VCF-style: chr2-96953686-C-G.
Other names: short protein forms A1094P.
Identifiers: ClinVar variation 1361716 (VCV001361716.8), dbSNP rs776180845, ClinGen allele CA1778492.
Genomic context (GRCh38, chr2:96,287,948, plus strand): 5'-GGTTCAGGGTCTTGTCTGTAAGCTGTGCCCAACCTCGGTTCAGGACAATTTCAAATATCG[C>G]TCGCATCAACCGGCCAGCCGACTAAGCAAAGAAGCAGCATTCCCACTGTTAAGTCTCGAC-3'
Protein context (NP_054733.2, residues 1084-1104): VTQSAGRLMR[Ala1094Pro]IFEIVLNRGW